The following is an entry in ClinVar:

NM_000135.4(FANCA):c.3398del (p.His1133fs)

Genes: FANCA (FA complementation group A; minus strand), LOC132090450 (Neanderthal introgressed variant-containing enhancer experimental_46718; plus strand). Cytogenetic location: 16q24.3.
Variant type: Deletion.
Coding change: c.3398del on transcript NM_000135.4 (MANE Select); coding-DNA position 3398, one base deleted (A; older notation c.3398delA).
Protein change: p.His1133fs; shifts the reading frame from histidine 1133.
Molecular consequence: frameshift variant.
Genome position (GRCh38, 1-based): chr16:89,746,841, T deleted on the plus strand (A on the coding strand, the reverse complement: FANCA is on the minus strand). VCF-style (leftmost placement, unchanged base first): chr16-89746840-GT-G. GRCh37 (hg19) VCF-style: chr16-89813248-GT-G.
Other names: c.3398del, p.His1133fs (NM_001286167.3); short protein forms H1133fs.
Identifiers: ClinVar variation 974051 (VCV000974051.7), dbSNP rs2038407878, ClinGen allele CA1139665033.

ClinVar aggregate classification (germline): Pathogenic/Likely pathogenic. Review status: criteria provided, multiple submitters, no conflicts (2 of 4 stars). 3 submissions from 3 submitters: Pathogenic (1); Likely pathogenic (1). 1 of the submissions does not count toward it. Last evaluated 2024-04-07.

Conditions:
Fanconi anemia (FA). Also called: Fanconi's anemia. Identifiers: Orphanet 84, MedGen C0015625, MeSH D005199, MONDO:0019391.
Fanconi anemia complementation group A (FANCA). Also called: Fanconi anemia, group A; FANCA-Related Fanconi Anemia. Identifiers: Orphanet 84, MedGen C3469521, MONDO:0009215, OMIM 227650.

Allele frequency attached by ClinVar (database versions not stated): gnomAD exomes below 0.00001.

Submissions (3):

Fulgent Genetics
Classification: Likely pathogenic for Fanconi anemia complementation group A. Last evaluated: 2024-04-07. Review status: criteria provided, single submitter. Criteria: ACMG Guidelines, 2015. Collection method: clinical testing. Allele origin: germline.

Labcorp Genetics (formerly Invitae), Labcorp
Classification: Pathogenic for Fanconi anemia. Last evaluated: 2023-12-18. Review status: criteria provided, single submitter. Criteria: Invitae Variant Classification Sherloc (09022015). Collection method: clinical testing. Allele origin: germline.
Comment: This sequence change creates a premature translational stop signal (p.His1133Profs*7) in the FANCA gene. It is expected to result in an absent or disrupted protein product. Loss-of-function variants in FANCA are known to be pathogenic (PMID: 19367192). This variant is not present in population databases (gnomAD no frequency). This premature translational stop signal has been observed in individual(s) with Fanconi anemia (PMID: 11344308). ClinVar contains an entry for this variant (Variation ID: 974051). For these reasons, this variant has been classified as Pathogenic.

Leiden Open Variation Database
Classification: Pathogenic for Fanconi anemia complementation group A. Last evaluated: 2020-02-28. Review status: no assertion criteria provided. Collection method: curation. Allele origin: germline. Affected: yes. Not counted in ClinVar's aggregate classification.
Comment: Curator: Arleen D. Auerbach. Submitter to LOVD: Arleen D. Auerbach.

Literature cited by the submitters: PubMed 19367192 (cited by Labcorp Genetics (formerly Invitae), Labcorp); PubMed 11344308 (cited by Labcorp Genetics (formerly Invitae), Labcorp and Leiden Open Variation Database).